The following is an entry in ClinVar:

ClinVar aggregate classification (germline): Likely benign (1 of 4 stars; one submission).

Allele frequency attached by ClinVar (database versions not stated): gnomAD 0.00825 and 0.00770; 1000 Genomes Project 0.00879; TOPMed 0.00899; 1000 Genomes Project 30x 0.01015; gnomAD exomes 0.00083.
gnomAD v4.1: 1,781 of 860,756 alleles (0.21%); highest among the groups gnomAD compares: African/African-American, 2.8%; 32 homozygotes.

Submission:

GeneDx
Classification: Likely benign. Last evaluated: 2018-06-20. Review status: criteria provided, single submitter. Criteria: GeneDx Variant Classification (06012015). Collection method: clinical testing. Allele origin: germline. Affected: yes.
Comment: This variant is considered likely benign or benign based on one or more of the following criteria: it is a conservative change, it occurs at a poorly conserved position in the protein, it is predicted to be benign by multiple in silico algorithms, and/or has population frequency not consistent with disease.

NM_001042492.3(NF1):c.5812+110T>G

Gene: NF1 (neurofibromin 1; plus strand). Cytogenetic location: 17q11.2.
Variant type: single nucleotide variant.
Coding change: c.5812+110T>G on transcript NM_001042492.3 (MANE Select); 110 bases into the intron after coding-DNA position 5812, T replaced by G.
Molecular consequence: intron variant.
Genome position (GRCh38, 1-based): chr17:31,330,608, T>G. VCF-style: chr17-31330608-T-G. GRCh37 (hg19) VCF-style: chr17-29657626-T-G.
Other names: c.5749+110T>G (NM_000267.4).
Identifiers: ClinVar variation 561486 (VCV000561486.1), dbSNP rs9899132, ClinGen allele CA289380714.